The following is an entry in ClinVar:

ClinVar aggregate classification (germline): Uncertain significance (1 of 4 stars; one submission).

Submission:

GeneDx
Classification: Uncertain significance. Last evaluated: 2017-01-13. Review status: criteria provided, single submitter. Criteria: GeneDx Variant Classification (06012015). Collection method: clinical testing. Allele origin: germline. Affected: yes.
Comment: The H968Y variant in the NRXN1 gene has not been reported previously as a pathogenic variant, nor as a benign variant, to our knowledge. The H968Y variant was not observed in approximately 6,100 individuals of European and African American ancestry in the NHLBI Exome Sequencing Project, indicating it is not a common benign variant in these populations. The H968Y variant is a non-conservative amino acid substitution, which is likely to impact secondary protein structure as these residues differ in polarity, charge, size and/or other properties. This substitution occurs at a position that is conserved across species and in silico analysis predicts this variant is probably damaging to the protein structure/function. We interpret H968Y as a variant of uncertain significance.

NM_001330078.2(NRXN1):c.2782C>T (p.His928Tyr)

Gene: NRXN1 (neurexin 1; minus strand). Cytogenetic location: 2p16.3.
Variant type: single nucleotide variant.
Coding change: c.2782C>T on transcript NM_001330078.2 (MANE Select); coding-DNA position 2782, C replaced by T.
Protein change: p.His928Tyr; replaces histidine 928 with tyrosine.
Molecular consequence: missense variant.
Genome position (GRCh38, 1-based): chr2:50,497,430, G>A on the plus strand (C>T on the coding strand, the complement: NRXN1 is on the minus strand). VCF-style: chr2-50497430-G-A. GRCh37 (hg19) VCF-style: chr2-50724568-G-A.
Other names: c.2902C>T, p.His968Tyr (NM_001135659.3); c.2758C>T, p.His920Tyr (NM_001330077.2, NM_001330082.2); c.2716C>T, p.His906Tyr (NM_001330083.2, NM_001330084.2); c.2755C>T, p.His919Tyr (NM_001330085.2); c.2782C>T, p.His928Tyr (NM_001330086.2, NM_004801.6); c.2671C>T, p.His891Tyr (NM_001330087.2, NM_001330096.2); c.2701C>T, p.His901Tyr (NM_001330088.2); c.2779C>T, p.His927Tyr (NM_001330093.2); and 2 more; short protein forms H968Y, H919Y, H924Y, H906Y, H920Y, H928Y, H891Y, H911Y.
Identifiers: ClinVar variation 392500 (VCV000392500.2), dbSNP rs1057524516, ClinGen allele CA16604218.